The following is an entry in ClinVar:

ClinVar aggregate classification (germline): Benign/Likely benign. Review status: criteria provided, multiple submitters, no conflicts (2 of 4 stars). 2 submissions from 2 submitters: Benign (1); Likely benign (1). Last evaluated 2025-08-01.

Allele frequency attached by ClinVar (database versions not stated): ESP Exome Variant Server 0.00019; gnomAD exomes 0.00019 and 0.00029; gnomAD 0.00022; ExAC 0.00025; TOPMed 0.00025.
gnomAD v4.1: 244 of 1,209,866 alleles (0.02%); highest among the groups gnomAD compares: Non-Finnish European, 0.0088%; no homozygotes.

Submissions (3):

CeGaT Center for Human Genetics Tuebingen
Classification: Likely benign. Last evaluated: 2025-08-01. Review status: criteria provided, single submitter. Criteria: CeGaT Center For Human Genetics Tuebingen Variant Classification Criteria Version 2. Collection method: clinical testing. Allele origin: germline. Affected: yes. Observed: 2 variant alleles.
Comment: GPC4: BS2

Genetic Services Laboratory, University of Chicago
Classification: Benign. Last evaluated: 2021-06-17. Review status: criteria provided, single submitter. Criteria: ACMG Guidelines, 2015. Collection method: clinical testing. Allele origin: germline. Affected: no.

Dr. Peter K. Rogan Lab, Western University
No classification provided (evidence only). Condition: Thyroid cancer, nonmedullary, 1. Review status: no classification provided. Collection method: in vitro. Allele origin: not applicable. Functional consequence: retained intron. Not counted in ClinVar's aggregate classification.

NM_001448.3(GPC4):c.646G>T (p.Val216Leu)

Gene: GPC4 (glypican 4; minus strand). Cytogenetic location: Xq26.2.
Variant type: single nucleotide variant.
Coding change: c.646G>T on transcript NM_001448.3 (MANE Select); coding-DNA position 646, G replaced by T.
Protein change: p.Val216Leu; replaces valine 216 with leucine.
Molecular consequence: missense variant.
Genome position (GRCh38, 1-based): chrX:133,324,210, C>A on the plus strand (G>T on the coding strand, the complement: GPC4 is on the minus strand). VCF-style: chrX-133324210-C-A. GRCh37 (hg19) VCF-style: chrX-132458238-C-A.
Other names: NC_000023.10:g.132458238C>A; short protein forms V216L.
Identifiers: ClinVar variation 1337983 (VCV001337983.29), dbSNP rs142826244, ClinGen allele CA10520493.